The following is an entry in ClinVar:

ClinVar aggregate classification (germline): Conflicting classifications of pathogenicity. Review status: criteria provided, conflicting classifications (1 of 4 stars). 6 submissions from 4 submitters: Likely pathogenic (1); Uncertain significance (5). Last evaluated 2026-07-13.

Conditions:
Malignant hyperthermia, susceptibility to, 1 (MHS1). Also called: Anesthesia related hyperthermia; Malignant hyperpyrexia; Fulminating hyperpyrexia; Pharmacogenic myopathy; RYR1-Related Malignant Hyperthermia Susceptibility; Malignant hyperthermia suceptibility 1. Identifiers: Orphanet 423, MedGen C2930980, MONDO:0007783, OMIM 145600.
Central core myopathy (CMYO1A). Also called: CONGENITAL MYOPATHY 1A, AUTOSOMAL DOMINANT, WITH SUSCEPTIBILITY TO MALIGNANT HYPERTHERMIA; Central core disease; Myopathy, central fibrillar. Identifiers: Orphanet 597, MedGen C5830701, MONDO:0007294, OMIM 117000.
Congenital multicore myopathy with external ophthalmoplegia (CMYO1B). Also called: MULTIMINICORE DISEASE WITH EXTERNAL OPHTHALMOPLEGIA; Minicore myopathy with external ophthalmoplegia; Congenital myopathy 1B, autosomal recessive; Minicore myopathy; MULTICORE MYOPATHY. Identifiers: Orphanet 598, Orphanet 98905, MedGen C1850674, MONDO:0009712, OMIM 255320, HP:0003789.
RYR1-related disorder. Also called: RYR1-related disorders; RYR1-related condition. Identifiers: MedGen CN239331.

Submissions (6):

GeneDx
Classification: Likely pathogenic. Last evaluated: 2026-07-13. Review status: criteria provided, single submitter. Criteria: GeneDx Variant Classification Process June 2021. Collection method: clinical testing. Allele origin: germline.
Comment: Not observed at significant frequency in large population cohorts (gnomAD); In silico analysis supports a deleterious effect on protein structure/function; In-frame deletion of 1 amino acids in a non-repeat region; This variant is associated with the following publications: (PMID: 32236737, 40243436)

Labcorp Genetics (formerly Invitae), Labcorp
Classification: Uncertain significance for RYR1-related disorder. Last evaluated: 2022-02-24. Review status: criteria provided, single submitter. Criteria: Invitae Variant Classification Sherloc (09022015). Collection method: clinical testing. Allele origin: germline.
Comment: This variant, c.5140_5142del, results in the deletion of 1 amino acid(s) of the RYR1 protein (p.Leu1714del), but otherwise preserves the integrity of the reading frame. This variant is present in population databases (no rsID available, gnomAD 0.01%). This variant has been observed in individual(s) with clinical features of autosomal recessive RYR1-related conditions (Invitae). In at least one individual the data is consistent with being in trans (on the opposite chromosome) from a pathogenic variant. ClinVar contains an entry for this variant (Variation ID: 548508). Experimental studies and prediction algorithms are not available or were not evaluated, and the functional significance of this variant is currently unknown. In summary, the available evidence is currently insufficient to determine the role of this variant in disease. Therefore, it has been classified as a Variant of Uncertain Significance.

Genomic Research Center, Shahid Beheshti University of Medical Sciences
Classification: Uncertain significance for Central core myopathy. Last evaluated: 2018-03-05. Review status: criteria provided, single submitter. Criteria: ACMG Guidelines, 2015. Collection method: clinical testing. Allele origin: inherited. Affected: yes. Observed: 1 variant allele.

Genomic Research Center, Shahid Beheshti University of Medical Sciences
Classification: Uncertain significance for Congenital multicore myopathy with external ophthalmoplegia. Last evaluated: 2018-03-05. Review status: criteria provided, single submitter. Criteria: ACMG Guidelines, 2015. Collection method: clinical testing. Allele origin: inherited. Affected: yes. Observed: 1 variant allele.

Genomic Research Center, Shahid Beheshti University of Medical Sciences
Classification: Uncertain significance for Malignant hyperthermia, susceptibility to, 1. Last evaluated: 2018-03-05. Review status: criteria provided, single submitter. Criteria: ACMG Guidelines, 2015. Collection method: clinical testing. Allele origin: inherited. Affected: yes. Observed: 1 variant allele.

PreventionGenetics, part of Exact Sciences
Classification: Uncertain significance. Last evaluated: 2013-10-22. Review status: criteria provided, single submitter. Criteria: ACMG Guidelines, 2015. Collection method: clinical testing. Allele origin: germline.

NM_001042723.1(RYR1):c.5140_5142del (p.Leu1714del)

Gene: RYR1 (ryanodine receptor 1; plus strand). Cytogenetic location: 19q13.2.
Variant type: Microsatellite.
Coding change: c.5140_5142del on transcript NM_001042723.1; coding-DNA positions 5140 to 5142, 3 bases deleted (CTC; older notation c.5140_5142delCTC).
Protein change: p.Leu1714del; deletes leucine 1714.
Molecular consequence: inframe deletion (on NM_000540.3).
Genome position (GRCh38, 1-based): chr19:38,485,795-38,485,797, CTC deleted; deleting any 3 consecutive bases within chr19:38,485,791-38,485,797 gives the same sequence; the c. name uses the placement nearest the transcript's 3' end. VCF-style (leftmost placement, unchanged base first): chr19-38485790-ACCT-A. GRCh37 (hg19) VCF-style: chr19-38976430-ACCT-A.
Other names: LRG_766:g.57093_57095CTC[1]; c.5137CTC[1], p.Leu1714del (NM_000540.3, NM_001042723.2); c.5140_5142delCTC (NM_000540.2); short protein forms L1714del.
Identifiers: ClinVar variation 548508 (VCV000548508.15), dbSNP rs1438501767, ClinGen allele CA633066587.